The following is an entry in ClinVar:

ClinVar aggregate classification (germline): Likely pathogenic. Review status: criteria provided, single submitter (1 of 4 stars). 2 submissions from 2 submitters: Likely pathogenic (1). 1 of the submissions does not count toward it. Last evaluated 2022-06-20.

Conditions:
Heterotopia, periventricular, X-linked dominant (PVNH1). Also called: X-linked periventricular heterotopia; PERIVENTRICULAR NODULAR HETEROTOPIA 1; PERIVENTRICULAR NODULAR HETEROTOPIA 4; HETEROTOPIA, PERIVENTRICULAR, 1. Identifiers: Orphanet 2149, Orphanet 82004, MedGen C1848213, MONDO:0010233, OMIM 300049.

Submissions (2):

Genetics and Molecular Pathology, SA Pathology
Classification: Likely pathogenic for Heterotopia, periventricular, X-linked dominant. Last evaluated: 2022-06-20. Review status: criteria provided, single submitter. Criteria: ACMG Guidelines, 2015. Collection method: clinical testing. Allele origin: germline. Inheritance: X-linked dominant inheritance. Affected: yes.
Comment: The FLNA c.1119C>G variant is classified as LIKELY PATHOGENIC (PVS1, PM2) The FLNA c.1119C>G variant is a single nucleotide change which is predicted to result in premature termination of the protein product at codon 373. This variant is absent from population databases (PM2). The variant has been reported in dbSNP (rs782121971) and has been reported as Likely pathogenic by other diagnostic laboratories (ClinVar Variation ID: 626251). It has not been reported in HGMD.

Molecular Genetics Center, Sichuan Provincial People's Hospital
Classification: Likely pathogenic for Heterotopia, periventricular, X-linked dominant. Review status: no assertion criteria provided. Collection method: research. Allele origin: de novo. Inheritance: X-linked dominant inheritance. Affected: yes. Observed: 1 heterozygote. Not counted in ClinVar's aggregate classification.

NM_001110556.2(FLNA):c.1119C>G (p.Tyr373Ter)

Gene: FLNA (filamin A; minus strand). Cytogenetic location: Xq28.
Variant type: single nucleotide variant.
Coding change: c.1119C>G on transcript NM_001110556.2 (MANE Select); coding-DNA position 1119, C replaced by G.
Protein change: p.Tyr373Ter; replaces tyrosine 373 with a stop codon.
Molecular consequence: nonsense.
Genome position (GRCh38, 1-based): chrX:154,366,417, G>C on the plus strand (C>G on the coding strand, the complement: FLNA is on the minus strand). VCF-style: chrX-154366417-G-C. GRCh37 (hg19) VCF-style: chrX-153594785-G-C.
Other names: c.1119C>G, p.Tyr373Ter (NM_001456.4); short protein forms Y373*.
Identifiers: ClinVar variation 626251 (VCV000626251.6), dbSNP rs782121971, ClinGen allele CA415246576.